The following is an entry in ClinVar:

NM_174936.4(PCSK9):c.1390C>T (p.His464Tyr)

Gene: PCSK9 (proprotein convertase subtilisin/kexin type 9; plus strand). Cytogenetic location: 1p32.3.
Variant type: single nucleotide variant.
Coding change: c.1390C>T on transcript NM_174936.4 (MANE Select); coding-DNA position 1390, C replaced by T.
Protein change: p.His464Tyr; replaces histidine 464 with tyrosine.
Molecular consequence: missense variant. On other transcripts: non-coding transcript variant (8), intron variant (1).
Genome position (GRCh38, 1-based): chr1:55,058,534, C>T. VCF-style: chr1-55058534-C-T. GRCh37 (hg19) VCF-style: chr1-55524207-C-T.
Other names: c.1513C>T, p.His505Tyr (NM_001407240.1); c.1390C>T, p.His464Tyr (NM_001407241.1); c.1393C>T, p.His465Tyr (NM_001407242.1); c.1333C>T, p.His445Tyr (NM_001407243.1); c.1216C>T, p.His406Tyr (NM_001407244.1); c.1198C>T, p.His400Tyr (NM_001407245.1); c.1015C>T, p.His339Tyr (NM_001407246.1); c.1180+1020C>T (NM_001407247.1); short protein forms H339Y, H400Y, H406Y, H445Y, H464Y, H465Y, H505Y.
Identifiers: ClinVar variation 3069452 (VCV003069452.1), dbSNP rs2523262974, ClinGen allele CA340478731.

ClinVar aggregate classification (germline): Uncertain significance (1 of 4 stars; one submission).

Conditions:
Hypercholesterolemia, autosomal dominant, 3 (FHCL3). Also called: PCSK9-Related Familial Hypercholesterolemia, Autosomal Dominant; Familial Hypercholesterolemia, Autosomal Dominant, 3; Familial hypercholesterolemia 3. Identifiers: MedGen C1863551, MONDO:0011369, OMIM 603776.

Allele frequency attached by ClinVar (database versions not stated): gnomAD exomes below 0.00001.
gnomAD v4.1: 1 of 1,612,206 alleles (0.000062%); highest among the groups gnomAD compares: Non-Finnish European, 0.000085%; no homozygotes.

Submission:

All of Us Research Program, National Institutes of Health
Classification: Uncertain significance for Hypercholesterolemia, autosomal dominant, 3. Last evaluated: 2023-03-04. Review status: criteria provided, single submitter. Criteria: ACMG Guidelines, 2015. Collection method: clinical testing. Allele origin: germline. Inheritance: Autosomal dominant inheritance. Observed: 1 variant allele, 1 heterozygote.
Comment: This study involves interpretation of variants in research participants for the purpose of population health screening. Participant phenotype was not available at the time of variant classification. Additional details can be found in publication PMID: 35346344, PMCID: PMC8962531